The following is an entry in ClinVar:

ClinVar aggregate classification (germline): Uncertain significance (1 of 4 stars; one submission).

Conditions:
ALMS1-related disorder. Also called: ALMS1-related condition.

Submission:

PreventionGenetics, part of Exact Sciences
Classification: Uncertain significance for ALMS1-related condition. Last evaluated: 2026-07-29. Review status: criteria provided, single submitter. Criteria: ACMG Guidelines, 2015. Collection method: clinical testing. Allele origin: germline.
Comment: The ALMS1 c.9176A>T variant is predicted to result in the amino acid substitution p.Asp3059Val. To our knowledge, this variant has not been reported in the literature or in a large population database (gnomAD), indicating this variant is rare. At this time, the clinical significance of this variant is uncertain due to the absence of conclusive functional and genetic evidence.

NM_001378454.1(ALMS1):c.9173A>T (p.Lys3058Met)

Gene: ALMS1 (ALMS1 centrosome and basal body associated protein; plus strand). Cytogenetic location: 2p13.1.
Variant type: single nucleotide variant.
Coding change: c.9173A>T on transcript NM_001378454.1 (MANE Select); coding-DNA position 9173, A replaced by T.
Protein change: p.Lys3058Met; replaces lysine 3058 with methionine.
Molecular consequence: missense variant.
Genome position (GRCh38, 1-based): chr2:73,491,132, A>T. VCF-style: chr2-73491132-A-T. GRCh37 (hg19) VCF-style: chr2-73718259-A-T.
Other names: c.9176A>T, p.Lys3059Met (NM_015120.4); short protein forms K3058M, K3059M.
Identifiers: ClinVar variation 4996222 (VCV004996222.1).